The following is an entry in ClinVar:

ClinVar aggregate classification (germline): Conflicting classifications of pathogenicity. Review status: criteria provided, conflicting classifications (1 of 4 stars). 2 submissions from 2 submitters: Uncertain significance (1); Likely benign (1). Last evaluated 2026-01-03.

Conditions:
Cardiovascular phenotype. Identifiers: MedGen CN230736.

gnomAD v4.1: 2 of 1,609,856 alleles (0.00012%); highest among the groups gnomAD compares: African/African-American, 0.0027%; no homozygotes.

Submissions (2):

Ambry Genetics
Classification: Likely benign for Cardiovascular phenotype. Last evaluated: 2026-01-03. Review status: criteria provided, single submitter. Criteria: Ambry Variant Classification Scheme 2023. Collection method: clinical testing. Allele origin: germline.

GeneDx
Classification: Uncertain significance. Last evaluated: 2025-06-03. Review status: criteria provided, single submitter. Criteria: GeneDx Variant Classification Process June 2021. Collection method: clinical testing. Allele origin: germline. Affected: yes.
Comment: Not observed at significant frequency in large population cohorts (gnomAD); In silico analysis suggests that this missense variant does not alter protein structure/function; Has not been previously published as pathogenic or benign to our knowledge

NM_001114753.3(ENG):c.1750A>C (p.Ser584Arg)

Gene: ENG (endoglin; minus strand). Cytogenetic location: 9q34.11.
Variant type: single nucleotide variant.
Coding change: c.1750A>C on transcript NM_001114753.3 (MANE Select); coding-DNA position 1750, A replaced by C.
Protein change: p.Ser584Arg; replaces serine 584 with arginine.
Molecular consequence: missense variant.
Genome position (GRCh38, 1-based): chr9:127,816,045, T>G on the plus strand (A>C on the coding strand, the complement: ENG is on the minus strand). VCF-style: chr9-127816045-T-G. GRCh37 (hg19) VCF-style: chr9-130578324-T-G.
Other names: c.1750A>C, p.Ser584Arg (NM_000118.4); c.1204A>C, p.Ser402Arg (NM_001278138.2); c.1750A>C (NM_001114753.1); short protein forms S402R, S584R.
Identifiers: ClinVar variation 4536476 (VCV004536476.2).